The following is an entry in ClinVar:

NM_001080476.3(GRXCR1):c.334A>C (p.Lys112Gln)

Gene: GRXCR1 (glutaredoxin and cysteine rich domain containing 1; plus strand). Cytogenetic location: 4p13.
Variant type: single nucleotide variant.
Coding change: c.334A>C on transcript NM_001080476.3 (MANE Select); coding-DNA position 334, A replaced by C.
Protein change: p.Lys112Gln; replaces lysine 112 with glutamine.
Molecular consequence: missense variant.
Genome position (GRCh38, 1-based): chr4:42,893,600, A>C. VCF-style: chr4-42893600-A-C. GRCh37 (hg19) VCF-style: chr4-42895617-A-C.
Other names: short protein forms K112Q.
Identifiers: ClinVar variation 1693022 (VCV001693022.2), dbSNP rs1295550495, ClinGen allele CA356791576.
Genomic context (GRCh38, chr4:42,893,600, plus strand): 5'-TTTGGTACAAGAAGAGTCAACATTTTAAGCAAAAATGGCACAGTCAGAGGCGTCAAATAC[A>C]AAGTGAGTGCTGGCCAGGCTCTATTTAACAATTTGACCAAAGTATTACAGGTAAGTCATT-3'
Protein context (NP_001073945.1, residues 102-122): KNGTVRGVKY[Lys112Gln]VSAGQALFNN

ClinVar aggregate classification (germline): Uncertain significance (1 of 4 stars; one submission).

Allele frequency attached by ClinVar (database versions not stated): TOPMed below 0.00001; gnomAD exomes below 0.00001.
gnomAD v4.1: 4 of 1,613,724 alleles (0.00025%); highest among the groups gnomAD compares: Middle Eastern, 0.05%; no homozygotes.

Submission:

GeneDx
Classification: Uncertain significance. Last evaluated: 2022-06-22. Review status: criteria provided, single submitter. Criteria: GeneDx Variant Classification Process June 2021. Collection method: clinical testing. Allele origin: germline. Affected: yes.
Comment: Not observed at significant frequency in large population cohorts (gnomAD); In silico analysis supports that this missense variant does not alter protein structure/function; Has not been previously published as pathogenic or benign to our knowledge